The following is an entry in ClinVar:

NM_000363.5(TNNI3):c.80G>C (p.Arg27Pro)

Gene: TNNI3 (troponin I3, cardiac type; minus strand). Cytogenetic location: 19q13.42.
Variant type: single nucleotide variant.
Coding change: c.80G>C on transcript NM_000363.5 (MANE Select); coding-DNA position 80, G replaced by C.
Protein change: p.Arg27Pro; replaces arginine 27 with proline.
Molecular consequence: missense variant.
Genome position (GRCh38, 1-based): chr19:55,157,078, C>G on the plus strand (G>C on the coding strand, the complement: TNNI3 is on the minus strand). VCF-style: chr19-55157078-C-G. GRCh37 (hg19) VCF-style: chr19-55668446-C-G.
Other names: short protein forms R27P.
Identifiers: ClinVar variation 1372115 (VCV001372115.8), dbSNP rs2147285955, ClinGen allele CA407442973.

ClinVar aggregate classification (germline): Uncertain significance. Review status: criteria provided, multiple submitters, no conflicts (2 of 4 stars). 2 submissions from 2 submitters: Uncertain significance (2). Last evaluated 2022-11-04.

Conditions:
Hypertrophic cardiomyopathy. Also called: HYPERTROPHIC MYOCARDIOPATHY. Identifiers: Orphanet 217569, MedGen C0007194, MeSH D002312, MONDO:0005045, HP:0001639.
Cardiovascular phenotype. Identifiers: MedGen CN230736.

Submissions (2):

Labcorp Genetics (formerly Invitae), Labcorp
Classification: Uncertain significance for Hypertrophic cardiomyopathy. Last evaluated: 2022-11-04. Review status: criteria provided, single submitter. Criteria: Invitae Variant Classification Sherloc (09022015). Collection method: clinical testing. Allele origin: germline.
Comment: This variant has not been reported in the literature in individuals affected with TNNI3-related conditions. This variant is not present in population databases (gnomAD no frequency). This sequence change replaces arginine, which is basic and polar, with proline, which is neutral and non-polar, at codon 27 of the TNNI3 protein (p.Arg27Pro). ClinVar contains an entry for this variant (Variation ID: 1372115). In summary, the available evidence is currently insufficient to determine the role of this variant in disease. Therefore, it has been classified as a Variant of Uncertain Significance. Algorithms developed to predict the effect of missense changes on protein structure and function are either unavailable or do not agree on the potential impact of this missense change (SIFT: "Deleterious"; PolyPhen-2: "Probably Damaging"; Align-GVGD: "Class C0").

Ambry Genetics
Classification: Uncertain significance for Cardiovascular phenotype. Last evaluated: 2021-06-28. Review status: criteria provided, single submitter. Criteria: Ambry Variant Classification Scheme 2023. Collection method: clinical testing. Allele origin: germline.
Comment: The p.R27P variant (also known as c.80G>C), located in coding exon 3 of the TNNI3 gene, results from a G to C substitution at nucleotide position 80. The arginine at codon 27 is replaced by proline, an amino acid with dissimilar properties. This amino acid position is well conserved in available vertebrate species. In addition, the in silico prediction for this alteration is inconclusive. Since supporting evidence is limited at this time, the clinical significance of this alteration remains unclear.